The following is an entry in ClinVar:

ClinVar aggregate classification (germline): Uncertain significance (1 of 4 stars; one submission).

Submission:

Labcorp Genetics (formerly Invitae), Labcorp
Classification: Uncertain significance. Last evaluated: 2024-07-06. Review status: criteria provided, single submitter. Criteria: Invitae Variant Classification Sherloc (09022015). Collection method: clinical testing. Allele origin: germline.
Comment: This sequence change falls in intron 20 of the PRPF6 gene. It does not directly change the encoded amino acid sequence of the PRPF6 protein. This variant is not present in population databases (gnomAD no frequency). This variant has not been reported in the literature in individuals affected with PRPF6-related conditions. Algorithms developed to predict the effect of sequence changes on RNA splicing suggest that this variant may disrupt the consensus splice site. In summary, the available evidence is currently insufficient to determine the role of this variant in disease. Therefore, it has been classified as a Variant of Uncertain Significance.

NM_012469.4(PRPF6):c.2674-11G>A

Gene: PRPF6 (pre-mRNA processing factor 6; plus strand). Cytogenetic location: 20q13.33.
Variant type: single nucleotide variant.
Coding change: c.2674-11G>A on transcript NM_012469.4 (MANE Select); 11 bases into the intron before coding-DNA position 2674, G replaced by A.
Molecular consequence: intron variant.
Genome position (GRCh38, 1-based): chr20:64,032,830, G>A. VCF-style: chr20-64032830-G-A. GRCh37 (hg19) VCF-style: chr20-62664183-G-A.
Identifiers: ClinVar variation 3658942 (VCV003658942.2).